The following is an entry in ClinVar:

ClinVar aggregate classification (germline): Benign. Review status: criteria provided, multiple submitters, no conflicts (2 of 4 stars). 3 submissions from 3 submitters: Benign (2). 1 of the submissions does not count toward it. Last evaluated 2026-01-23.

Allele frequency attached by ClinVar (database versions not stated): TOPMed 0.01871; ESP Exome Variant Server 0.02030; 1000 Genomes Project 30x 0.00874; gnomAD 0.01838; ExAC 0.01911; 1000 Genomes Project 0.00779.
gnomAD v4.1: 39,681 of 1,614,120 alleles (2.5%); highest among the groups gnomAD compares: Middle Eastern, 3%; 609 homozygotes.

Submissions (3):

Labcorp Genetics (formerly Invitae), Labcorp
Classification: Benign. Last evaluated: 2026-01-23. Review status: criteria provided, single submitter. Criteria: Invitae Variant Classification Sherloc (09022015). Collection method: clinical testing. Allele origin: germline.

Breakthrough Genomics
Classification: Benign. Review status: criteria provided, single submitter. Criteria: ACMG Guidelines, 2015. Collection method: not provided. Allele origin: germline. Inheritance: Autosomal dominant inheritance. Affected: yes.

ITMI
No classification provided. Condition: AllHighlyPenetrant. Last evaluated: 2013-09-19. Review status: no classification provided. Collection method: reference population. Allele origin: germline. Not counted in ClinVar's aggregate classification.
Comment: Please see associated publication for description of ethnicities

Literature cited by the submitters: PubMed 24728327 (cited by ITMI).

NM_170606.3(KMT2C):c.7234C>A (p.Pro2412Thr)

Gene: KMT2C (lysine methyltransferase 2C; minus strand). Cytogenetic location: 7q36.1.
Variant type: single nucleotide variant.
Coding change: c.7234C>A on transcript NM_170606.3 (MANE Select); coding-DNA position 7234, C replaced by A.
Protein change: p.Pro2412Thr; replaces proline 2412 with threonine.
Molecular consequence: missense variant.
Genome position (GRCh38, 1-based): chr7:152,180,042, G>T on the plus strand (C>A on the coding strand, the complement: KMT2C is on the minus strand). VCF-style: chr7-152180042-G-T. GRCh37 (hg19) VCF-style: chr7-151877127-G-T.
Other names: short protein forms P2412T.
Identifiers: ClinVar variation 134768 (VCV000134768.10), dbSNP rs13231116, ClinGen allele CA160707.